The following is an entry in ClinVar:

ClinVar aggregate classification (germline): Uncertain significance (1 of 4 stars; one submission).

Allele frequency attached by ClinVar (database versions not stated): gnomAD exomes below 0.00001.
gnomAD v4.1: 1 of 1,614,214 alleles (0.000062%); highest among the groups gnomAD compares: Non-Finnish European, 0.000085%; no homozygotes.

Submission:

Labcorp Genetics (formerly Invitae), Labcorp
Classification: Uncertain significance. Last evaluated: 2022-07-11. Review status: criteria provided, single submitter. Criteria: Invitae Variant Classification Sherloc (09022015). Collection method: clinical testing. Allele origin: germline.
Comment: In summary, the available evidence is currently insufficient to determine the role of this variant in disease. Therefore, it has been classified as a Variant of Uncertain Significance. Algorithms developed to predict the effect of missense changes on protein structure and function are either unavailable or do not agree on the potential impact of this missense change (SIFT: "Tolerated"; PolyPhen-2: "Possibly Damaging"; Align-GVGD: "Class C0"). This variant has not been reported in the literature in individuals affected with MRPL44-related conditions. This variant is not present in population databases (gnomAD no frequency). This sequence change replaces threonine, which is neutral and polar, with serine, which is neutral and polar, at codon 194 of the MRPL44 protein (p.Thr194Ser).

NM_022915.5(MRPL44):c.580A>T (p.Thr194Ser)

Gene: MRPL44 (mitochondrial ribosomal protein L44; plus strand). Cytogenetic location: 2q36.1.
Variant type: single nucleotide variant.
Coding change: c.580A>T on transcript NM_022915.5 (MANE Select); coding-DNA position 580, A replaced by T.
Protein change: p.Thr194Ser; replaces threonine 194 with serine.
Molecular consequence: missense variant.
Genome position (GRCh38, 1-based): chr2:223,959,934, A>T. VCF-style: chr2-223959934-A-T. GRCh37 (hg19) VCF-style: chr2-224824651-A-T.
Other names: short protein forms T194S.
Identifiers: ClinVar variation 2015996 (VCV002015996.4), dbSNP rs2469369096, ClinGen allele CA350807280.